The following is an entry in ClinVar:

ClinVar aggregate classification (germline): Likely benign (1 of 4 stars; one submission).

Allele frequency attached by ClinVar (database versions not stated): 1000 Genomes Project 0.00240; 1000 Genomes Project 30x 0.00250; ESP Exome Variant Server 0.00600.

Submission:

CeGaT Center for Human Genetics Tuebingen
Classification: Likely benign. Last evaluated: 2023-03-01. Review status: criteria provided, single submitter. Criteria: CeGaT Center For Human Genetics Tuebingen Variant Classification Criteria Version 2. Collection method: clinical testing. Allele origin: germline. Affected: yes. Observed: 1 variant allele.
Comment: OR6C76: BP4, BP7, BS2

NM_001005183.1(OR6C76):c.510C>A (p.Val170=)

Gene: OR6C76 (olfactory receptor family 6 subfamily C member 76; plus strand). Cytogenetic location: 12q13.2.
Variant type: single nucleotide variant.
Coding change: c.510C>A on transcript NM_001005183.1 (MANE Select); coding-DNA position 510, C replaced by A.
Protein change: p.Val170=; no amino-acid change (valine 170 retained).
Molecular consequence: synonymous variant.
Genome position (GRCh38, 1-based): chr12:55,426,763, C>A. VCF-style: chr12-55426763-C-A. GRCh37 (hg19) VCF-style: chr12-55820547-C-A.
Other names: c.510C>A, p.Val170= (NM_001412214.1).
Identifiers: ClinVar variation 2643060 (VCV002643060.24), dbSNP rs116261510, ClinGen allele CA6613593.